The following is an entry in ClinVar:

NM_152594.3(SPRED1):c.1073del (p.Pro358fs)

Gene: SPRED1 (sprouty related EVH1 domain containing 1; plus strand). Cytogenetic location: 15q14.
Variant type: Deletion.
Coding change: c.1073del on transcript NM_152594.3 (MANE Select); coding-DNA position 1073, one base deleted (C; older notation c.1073delC).
Protein change: p.Pro358fs; shifts the reading frame from proline 358.
Molecular consequence: frameshift variant.
Genome position (GRCh38, 1-based): chr15:38,351,402, C deleted; the last of 3 consecutive C bases (chr15:38,351,400-38,351,402); deleting any one gives the same sequence. VCF-style (leftmost placement, unchanged base first): chr15-38351399-AC-A. GRCh37 (hg19) VCF-style: chr15-38643600-AC-A.
Other names: short protein forms P358fs.
Identifiers: ClinVar variation 2736171 (VCV002736171.3), dbSNP rs2542743797, ClinGen allele CA658761253.

ClinVar aggregate classification (germline): Pathogenic (1 of 4 stars; one submission).

Conditions:
Legius syndrome. Identifiers: Orphanet 137605, MedGen C1969623, MONDO:0012669, OMIM 611431. Disease mechanism: loss of function.

Submission:

Labcorp Genetics (formerly Invitae), Labcorp
Classification: Pathogenic for Legius syndrome. Last evaluated: 2023-11-02. Review status: criteria provided, single submitter. Criteria: Invitae Variant Classification Sherloc (09022015). Collection method: clinical testing. Allele origin: germline.
Comment: This sequence change creates a premature translational stop signal (p.Pro358Leufs*48) in the SPRED1 gene. While this is not anticipated to result in nonsense mediated decay, it is expected to disrupt the last 87 amino acid(s) of the SPRED1 protein. This variant is not present in population databases (gnomAD no frequency). This premature translational stop signal has been observed in individual(s) with Café au lait macules (PMID: 21548021). This variant disrupts a region of the SPRED1 protein in which other variant(s) (p.Cys418Alafs*6) have been determined to be pathogenic (PMID: 19920235; Invitae). This suggests that this is a clinically significant region of the protein, and that variants that disrupt it are likely to be disease-causing. For these reasons, this variant has been classified as Pathogenic.

Literature cited by the submitters: PubMed 21548021; PubMed 19920235.